The following is an entry in ClinVar:

ClinVar aggregate classification (germline): Benign/Likely benign. Review status: criteria provided, multiple submitters, no conflicts (2 of 4 stars). 5 submissions from 5 submitters: Benign (4); Likely benign (1). Last evaluated 2026-02-04.

Conditions:
Diaphanospondylodysostosis. Also called: VERTEBRAL OSSIFICATION, DEFECT IN, WITH NEPHROGENIC RESTS. Identifiers: Orphanet 66637, MedGen C1842691, MONDO:0011946, OMIM 608022.

Allele frequency attached by ClinVar (database versions not stated): TOPMed 0.90184; ESP Exome Variant Server 0.90304; 1000 Genomes Project 30x 0.90600; 1000 Genomes Project 0.91014.
gnomAD v4.1: 1,510,292 of 1,613,946 alleles (94%); highest among the groups gnomAD compares: East Asian, 100%; 707,520 homozygotes.

Submissions (5):

Labcorp Genetics (formerly Invitae), Labcorp
Classification: Benign. Last evaluated: 2026-02-04. Review status: criteria provided, single submitter. Criteria: Invitae Variant Classification Sherloc (09022015). Collection method: clinical testing. Allele origin: germline.

Blueprint Genetics
Classification: Likely benign. Last evaluated: 2024-11-27. Review status: criteria provided, single submitter. Criteria: ACMG Guidelines, 2015. Collection method: clinical testing. Allele origin: germline.

Genome-Nilou Lab
Classification: Benign for Diaphanospondylodysostosis. Last evaluated: 2021-07-14. Review status: criteria provided, single submitter. Criteria: ACMG Guidelines, 2015. Collection method: clinical testing. Allele origin: germline. Affected: no.

GeneDx
Classification: Benign. Last evaluated: 2018-11-10. Review status: criteria provided, single submitter. Criteria: GeneDx Variant Classification Process June 2021. Collection method: clinical testing. Allele origin: germline. Affected: yes.

Illumina Laboratory Services, Illumina
Classification: Benign for Diaphanospondylodysostosis. Last evaluated: 2018-01-13. Review status: criteria provided, single submitter. Criteria: ICSL Variant Classification Criteria 13 December 2019. Collection method: clinical testing. Allele origin: germline.
Comment: This variant was observed in the ICSL laboratory as part of a predisposition screen in an ostensibly healthy population. It had not been previously curated by ICSL or reported in the Human Gene Mutation Database (HGMD: prior to June 1st, 2018), and was therefore a candidate for classification through an automated scoring system. Utilizing variant allele frequency, disease prevalence and penetrance estimates, and inheritance mode, an automated score was calculated to assess if this variant is too frequent to cause the disease. Based on the score and internal cut-off values, a variant classified as benign is not then subjected to further curation. The score for this variant resulted in a classification of benign for this disease.

NM_001365308.1(BMPER):c.1935G>C (p.Thr645=)

Gene: BMPER (BMP binding endothelial regulator; plus strand). Cytogenetic location: 7p14.3.
Variant type: single nucleotide variant.
Coding change: c.1935G>C on transcript NM_001365308.1 (MANE Select); coding-DNA position 1935, G replaced by C.
Protein change: p.Thr645=; no amino-acid change (threonine 645 retained).
Molecular consequence: synonymous variant.
Genome position (GRCh38, 1-based): chr7:34,153,150, G>C. VCF-style: chr7-34153150-G-C. GRCh37 (hg19) VCF-style: chr7-34192762-G-C.
Other names: c.1935G>C, p.Thr645= (NM_133468.5).
Identifiers: ClinVar variation 360118 (VCV000360118.18), dbSNP rs6968741, ClinGen allele CA4215570.